The following is an entry in ClinVar:

ClinVar aggregate classification (germline): Uncertain significance. Review status: criteria provided, multiple submitters, no conflicts (2 of 4 stars). 2 submissions from 2 submitters: Uncertain significance (2). Last evaluated 2026-01-23.

Conditions:
ROBO2-related disorder. Also called: ROBO2-related condition.

Allele frequency attached by ClinVar (database versions not stated): gnomAD 0.00001; gnomAD exomes 0.00002; TOPMed 0.00002; ExAC 0.00003.
gnomAD v4.1: 12 of 1,613,026 alleles (0.00074%); highest among the groups gnomAD compares: Admixed American, 0.02%; no homozygotes.

Submissions (2):

Labcorp Genetics (formerly Invitae), Labcorp
Classification: Uncertain significance. Last evaluated: 2026-01-23. Review status: criteria provided, single submitter. Criteria: Invitae Variant Classification Sherloc (09022015). Collection method: clinical testing. Allele origin: germline.
Comment: This sequence change replaces serine, which is neutral and polar, with glycine, which is neutral and non-polar, at codon 352 of the ROBO2 protein (p.Ser352Gly). This variant is present in population databases (rs199529182, gnomAD 0.02%). This variant has not been reported in the literature in individuals affected with ROBO2-related conditions. ClinVar contains an entry for this variant (Variation ID: 2179833). Invitae Evidence Modeling of protein sequence and biophysical properties (such as structural, functional, and spatial information, amino acid conservation, physicochemical variation, residue mobility, and thermodynamic stability) indicates that this missense variant is not expected to disrupt ROBO2 protein function with a negative predictive value of 95%. In summary, the available evidence is currently insufficient to determine the role of this variant in disease. Therefore, it has been classified as a Variant of Uncertain Significance.

PreventionGenetics, part of Exact Sciences
Classification: Uncertain significance for ROBO2-related condition. Last evaluated: 2025-01-27. Review status: criteria provided, single submitter. Criteria: ACMG Guidelines, 2015. Collection method: clinical testing. Allele origin: germline.
Comment: The ROBO2 c.1102A>G variant is predicted to result in the amino acid substitution p.Ser368Gly. To our knowledge, this variant has not been reported in the literature. This variant is reported in 0.023% of alleles in individuals of Latino descent in gnomAD. At this time, the clinical significance of this variant is uncertain due to the absence of conclusive functional and genetic evidence.

NM_001395656.1(ROBO2):c.1066A>G (p.Ser356Gly)

Gene: ROBO2 (roundabout guidance receptor 2; plus strand). Cytogenetic location: 3p12.3.
Variant type: single nucleotide variant.
Coding change: c.1066A>G on transcript NM_001395656.1 (MANE Select); coding-DNA position 1066, A replaced by G.
Protein change: p.Ser356Gly; replaces serine 356 with glycine.
Molecular consequence: missense variant. On other transcripts: 5 prime UTR variant (1).
Genome position (GRCh38, 1-based): chr3:77,546,457, A>G. VCF-style: chr3-77546457-A-G. GRCh37 (hg19) VCF-style: chr3-77595608-A-G.
Other names: c.1102A>G, p.Ser368Gly (NM_001128929.3); c.1066A>G, p.Ser356Gly (NM_001290039.2, NM_001290040.2, NM_001378202.1); c.-865A>G (NM_001290065.2); c.1114A>G, p.Ser372Gly (NM_001378200.1, NM_001378201.1, NM_001378203.1 and 4 more transcripts); c.1123A>G, p.Ser375Gly (NM_001394212.1, NM_001394214.1, NM_001395657.1); c.1135A>G, p.Ser379Gly (NM_001394213.1, NM_001378192.1, NM_001378194.1 and 2 more transcripts); c.1054A>G, p.Ser352Gly (NM_001378193.1, NM_001378197.1, NM_002942.5); short protein forms S372G, S356G, S368G, S375G, S379G, S352G.
Identifiers: ClinVar variation 2179833 (VCV002179833.5), dbSNP rs199529182, ClinGen allele CA2496951.